The following is an entry in ClinVar:

NM_144999.4(LRRC45):c.847C>G (p.Arg283Gly)

Gene: LRRC45 (leucine rich repeat containing 45; plus strand). Cytogenetic location: 17q25.3.
Variant type: single nucleotide variant.
Coding change: c.847C>G on transcript NM_144999.4 (MANE Select); coding-DNA position 847, C replaced by G.
Protein change: p.Arg283Gly; replaces arginine 283 with glycine.
Molecular consequence: missense variant.
Genome position (GRCh38, 1-based): chr17:82,027,687, C>G. VCF-style: chr17-82027687-C-G. GRCh37 (hg19) VCF-style: chr17-79985563-C-G.
Other names: c.847C>G (NM_144999.3); short protein forms R283G.
Identifiers: ClinVar variation 2516074 (VCV002516074.3), dbSNP rs199704096, ClinGen allele CA8847824.

ClinVar aggregate classification (germline): Uncertain significance. Review status: criteria provided, multiple submitters, no conflicts (2 of 4 stars). 2 submissions from 2 submitters: Uncertain significance (2). Last evaluated 2025-06-20.

Conditions:
LRRC45-related disorder. Also called: LRRC45-related condition.

gnomAD v4.1: 77 of 1,610,406 alleles (0.0048%); highest among the groups gnomAD compares: Non-Finnish European, 0.0062%; no homozygotes.

Submissions (2):

PreventionGenetics, part of Exact Sciences
Classification: Uncertain significance for LRRC45-related condition. Last evaluated: 2025-06-20. Review status: criteria provided, single submitter. Criteria: ACMG Guidelines, 2015. Collection method: clinical testing. Allele origin: germline.
Comment: The LRRC45 c.847C>G variant is predicted to result in the amino acid substitution p.Arg283Gly. To our knowledge, this variant has not been reported in the literature. This variant is reported in 0.0064% of alleles in individuals of European (Non-Finnish) descent in gnomAD. At this time, the clinical significance of this variant is uncertain due to the absence of conclusive functional and genetic evidence.

Ambry Genetics
Classification: Uncertain significance. Last evaluated: 2023-05-26. Review status: criteria provided, single submitter. Criteria: Ambry Variant Classification Scheme 2023. Collection method: clinical testing. Allele origin: germline.